The following is an entry in ClinVar:

NM_006218.4(PIK3CA):c.2233A>G (p.Met745Val)

Gene: PIK3CA (phosphatidylinositol-4,5-bisphosphate 3-kinase catalytic subunit alpha; plus strand). Cytogenetic location: 3q26.32.
Variant type: single nucleotide variant.
Coding change: c.2233A>G on transcript NM_006218.4 (MANE Select); coding-DNA position 2233, A replaced by G.
Protein change: p.Met745Val; replaces methionine 745 with valine.
Molecular consequence: missense variant.
Genome position (GRCh38, 1-based): chr3:179,224,126, A>G. VCF-style: chr3-179224126-A-G. GRCh37 (hg19) VCF-style: chr3-178941914-A-G.
Other names: short protein forms M745V.
Identifiers: ClinVar variation 5026688 (VCV005026688.1).

ClinVar aggregate classification (germline): Uncertain significance (1 of 4 stars; one submission).

Conditions:
Inborn genetic diseases. Identifiers: MedGen C0950123, MeSH D030342.

Submission:

Ambry Genetics
Classification: Uncertain significance for Inborn genetic diseases. Last evaluated: 2026-07-09. Review status: criteria provided, single submitter. Criteria: Ambry Variant Classification Scheme 2023. Collection method: clinical testing. Allele origin: germline.
Comment: The p.M745V variant (also known as c.2233A>G), located in coding exon 14 of the PIK3CA gene, results from an A to G substitution at nucleotide position 2233. The methionine at codon 745 is replaced by valine, an amino acid with highly similar properties. This amino acid position is conserved. In addition, this alteration is predicted to be deleterious by in silico analysis. Based on the available evidence, the clinical significance of this variant remains unclear.